The following is an entry in ClinVar:

NM_001039348.3(EFEMP1):c.246A>G (p.Glu82=)

Gene: EFEMP1 (EGF-like fibulin extracellular matrix protein 1; minus strand). Cytogenetic location: 2p16.1.
Variant type: single nucleotide variant.
Coding change: c.246A>G on transcript NM_001039348.3 (MANE Select); coding-DNA position 246, A replaced by G.
Protein change: p.Glu82=; no amino-acid change (glutamic acid 82 retained).
Molecular consequence: synonymous variant.
Genome position (GRCh38, 1-based): chr2:55,917,936, T>C on the plus strand (A>G on the coding strand, the complement: EFEMP1 is on the minus strand). VCF-style: chr2-55917936-T-C. GRCh37 (hg19) VCF-style: chr2-56145071-T-C.
Other names: c.246A>G, p.Glu82= (NM_001039349.3).
Identifiers: ClinVar variation 336630 (VCV000336630.16), dbSNP rs35447389, ClinGen allele CA1668974.
Genomic context (GRCh38, chr2:55,917,936, plus strand): 5'-TACAACCCCGGTGGTTGCCCCTGAGGTTCCTTCTGCTGGTTGTGTTTCCTGCTGAGGCTG[T>C]TCATTATTGACAATAATCTGGGCTGTTTTCGGAAGGCAGAGGTATCCTCCATAGTGGTTG-3'
Protein context (NP_001034437.1, residues 72-92): PKTAQIIVNN[Glu82=]QPQQETQPAE

ClinVar aggregate classification (germline): Benign. Review status: criteria provided, multiple submitters, no conflicts (2 of 4 stars). 3 submissions from 3 submitters: Benign (3). Last evaluated 2026-02-02.

Conditions:
Doyne honeycomb retinal dystrophy (DHRD). Also called: DOYNE HONEYCOMB DEGENERATION OF RETINA; MALATTIA LEVENTINESE; DRUSEN, RADIAL, AUTOSOMAL DOMINANT. Identifiers: Orphanet 75376, MedGen C1832174, MONDO:0007471, OMIM 126600.

Allele frequency attached by ClinVar (database versions not stated): gnomAD exomes 0.00233 and 0.00582; ExAC 0.00689; gnomAD 0.02029 and 0.02181; 1000 Genomes Project 0.02316; 1000 Genomes Project 30x 0.02327; TOPMed 0.02370; ESP Exome Variant Server 0.02384.
gnomAD v4.1: 6,743 of 1,614,192 alleles (0.42%); highest among the groups gnomAD compares: African/African-American, 6.8%; 180 homozygotes.

Submissions (3):

Labcorp Genetics (formerly Invitae), Labcorp
Classification: Benign. Last evaluated: 2026-02-02. Review status: criteria provided, single submitter. Criteria: Invitae Variant Classification Sherloc (09022015). Collection method: clinical testing. Allele origin: germline.

Illumina Laboratory Services, Illumina
Classification: Benign for Doyne honeycomb retinal dystrophy. Last evaluated: 2018-01-13. Review status: criteria provided, single submitter. Criteria: ICSL Variant Classification Criteria 13 December 2019. Collection method: clinical testing. Allele origin: germline.
Comment: This variant was observed in the ICSL laboratory as part of a predisposition screen in an ostensibly healthy population. It had not been previously curated by ICSL or reported in the Human Gene Mutation Database (HGMD: prior to June 1st, 2018), and was therefore a candidate for classification through an automated scoring system. Utilizing variant allele frequency, disease prevalence and penetrance estimates, and inheritance mode, an automated score was calculated to assess if this variant is too frequent to cause the disease. Based on the score and internal cut-off values, a variant classified as benign is not then subjected to further curation. The score for this variant resulted in a classification of benign for this disease.

Breakthrough Genomics
Classification: Benign. Review status: criteria provided, single submitter. Criteria: ACMG Guidelines, 2015. Collection method: not provided. Allele origin: germline. Inheritance: Autosomal dominant inheritance. Affected: yes.